The following is an entry in ClinVar:

ClinVar aggregate classification (germline): Uncertain significance. Review status: criteria provided, multiple submitters, no conflicts (2 of 4 stars). 2 submissions from 2 submitters: Uncertain significance (2). Last evaluated 2022-08-19.

Submissions (2):

Labcorp Genetics (formerly Invitae), Labcorp
Classification: Uncertain significance. Last evaluated: 2022-08-19. Review status: criteria provided, single submitter. Criteria: Invitae Variant Classification Sherloc (09022015). Collection method: clinical testing. Allele origin: germline.
Comment: In summary, the available evidence is currently insufficient to determine the role of this variant in disease. Therefore, it has been classified as a Variant of Uncertain Significance. Variants that disrupt the consensus splice site are a relatively common cause of aberrant splicing (PMID: 17576681, 9536098). Algorithms developed to predict the effect of sequence changes on RNA splicing suggest that this variant may disrupt the consensus splice site. ClinVar contains an entry for this variant (Variation ID: 1379803). This variant has been observed in individuals with retinitis pigmentosa (Invitae). This variant is not present in population databases (gnomAD no frequency). This sequence change falls in intron 11 of the PRPF31 gene. It does not directly change the encoded amino acid sequence of the PRPF31 protein. It affects a nucleotide within the consensus splice site.

Mendelics
Classification: Uncertain significance. Last evaluated: 2022-05-04. Review status: criteria provided, single submitter. Criteria: Mendelics Assertion Criteria 2019. Collection method: clinical testing. Allele origin: germline.

Literature cited by the submitters: PubMed 17576681 (cited by Labcorp Genetics (formerly Invitae), Labcorp); PubMed 9536098 (cited by Labcorp Genetics (formerly Invitae), Labcorp).

NM_015629.4(PRPF31):c.1146+5_1146+6del

Gene: PRPF31 (pre-mRNA processing factor 31; plus strand). Cytogenetic location: 19q13.42.
Variant type: Deletion.
Coding change: c.1146+5_1146+6del on transcript NM_015629.4 (MANE Select); bases 5 to 6 of the intron after coding-DNA position 1146, 2 bases deleted (GA; older notation c.1146+5_1146+6delGA).
Molecular consequence: intron variant.
Genome position (GRCh38, 1-based): chr19:54,128,382-54,128,383, GA deleted; deleting any 2 consecutive bases within chr19:54,128,381-54,128,383 gives the same sequence; the c. name uses the placement nearest the transcript's 3' end. VCF-style (leftmost placement, unchanged base first): chr19-54128380-CAG-C. GRCh37 (hg19) VCF-style: chr19-54631755-CAG-C.
Identifiers: ClinVar variation 1379803 (VCV001379803.7), dbSNP rs2146446040, ClinGen allele CA2573156667.